The following is an entry in ClinVar:

NM_000193.4(SHH):c.1211G>A (p.Gly404Glu)

Gene: SHH (sonic hedgehog signaling molecule; minus strand). Cytogenetic location: 7q36.3.
Variant type: single nucleotide variant.
Coding change: c.1211G>A on transcript NM_000193.4 (MANE Select); coding-DNA position 1211, G replaced by A.
Protein change: p.Gly404Glu; replaces glycine 404 with glutamic acid.
Molecular consequence: missense variant. On other transcripts: intron variant (1).
Genome position (GRCh38, 1-based): chr7:155,803,078, C>T on the plus strand (G>A on the coding strand, the complement: SHH is on the minus strand). VCF-style: chr7-155803078-C-T. GRCh37 (hg19) VCF-style: chr7-155595772-C-T.
Other names: c.1211G>A (NM_000193.2); c.302-2833G>A (NM_001310462.2); short protein forms G404E.
Identifiers: ClinVar variation 2076358 (VCV002076358.5), dbSNP rs1162576975, ClinGen allele CA370144595.
Genomic context (GRCh38, chr7:155,803,078, plus strand): 5'-GGAGCGTCGGCAGCACCTGGAGCGGTTAGGGCTACTCTGCCGCCGCCGCCCCCGCGGTCC[C>T]CGCCGCCGCTGTCCCCGCCGCGGTCCGTGCGCGCGGGCGCCAGTGCAGCCAGGAGCGCGT-3'
Protein context (NP_000184.1, residues 394-414): RTDRGGDSGG[Gly404Glu]DRGGGGGRVA

ClinVar aggregate classification (germline): Uncertain significance. Review status: criteria provided, multiple submitters, no conflicts (2 of 4 stars). 2 submissions from 2 submitters: Uncertain significance (2). Last evaluated 2025-12-23.

Conditions:
Inborn genetic diseases. Identifiers: MedGen C0950123, MeSH D030342.
Holoprosencephaly 3 (HPE3). Identifiers: Orphanet 2162, MedGen C1840529, MONDO:0007733, OMIM 142945.

Allele frequency attached by ClinVar (database versions not stated): gnomAD exomes below 0.00001.
gnomAD v4.1: 4 of 1,366,428 alleles (0.00029%); highest among the groups gnomAD compares: Admixed American, 0.0033%; no homozygotes.

Submissions (2):

Labcorp Genetics (formerly Invitae), Labcorp
Classification: Uncertain significance for Holoprosencephaly 3. Last evaluated: 2025-12-23. Review status: criteria provided, single submitter. Criteria: Invitae Variant Classification Sherloc (09022015). Collection method: clinical testing. Allele origin: germline.
Comment: This sequence change replaces glycine, which is neutral and non-polar, with glutamic acid, which is acidic and polar, at codon 404 of the SHH protein (p.Gly404Glu). This variant is not present in population databases (gnomAD no frequency). This variant has not been reported in the literature in individuals affected with SHH-related conditions. ClinVar contains an entry for this variant (Variation ID: 2076358). Experimental studies and prediction algorithms are not available or were not evaluated, and the functional significance of this variant is currently unknown. In summary, the available evidence is currently insufficient to determine the role of this variant in disease. Therefore, it has been classified as a Variant of Uncertain Significance.

Ambry Genetics
Classification: Uncertain significance for Inborn genetic diseases. Last evaluated: 2025-09-10. Review status: criteria provided, single submitter. Criteria: Ambry Variant Classification Scheme 2023. Collection method: clinical testing. Allele origin: germline.